The following is an entry in ClinVar:

ClinVar aggregate classification (germline): Uncertain significance. Review status: criteria provided, multiple submitters, no conflicts (2 of 4 stars). 2 submissions from 2 submitters: Uncertain significance (2). Last evaluated 2025-09-21.

Conditions:
Inborn genetic diseases. Identifiers: MedGen C0950123, MeSH D030342.

Submissions (2):

Ambry Genetics
Classification: Uncertain significance for Inborn genetic diseases. Last evaluated: 2025-09-21. Review status: criteria provided, single submitter. Criteria: Ambry Variant Classification Scheme 2023. Collection method: clinical testing. Allele origin: germline.

Labcorp Genetics (formerly Invitae), Labcorp
Classification: Uncertain significance. Last evaluated: 2022-02-07. Review status: criteria provided, single submitter. Criteria: Invitae Variant Classification Sherloc (09022015). Collection method: clinical testing. Allele origin: germline.
Comment: In summary, the available evidence is currently insufficient to determine the role of this variant in disease. Therefore, it has been classified as a Variant of Uncertain Significance. Algorithms developed to predict the effect of missense changes on protein structure and function are either unavailable or do not agree on the potential impact of this missense change (SIFT: "Not Available"; PolyPhen-2: "Probably Damaging"; Align-GVGD: "Not Available"). This variant has not been reported in the literature in individuals affected with UNC80-related conditions. This variant is not present in population databases (gnomAD no frequency). This sequence change replaces arginine, which is basic and polar, with glycine, which is neutral and non-polar, at codon 2065 of the UNC80 protein (p.Arg2065Gly).

NM_001371986.1(UNC80):c.6391C>G (p.Arg2131Gly)

Gene: UNC80 (unc-80 subunit of NALCN channel complex; plus strand). Cytogenetic location: 2q34.
Variant type: single nucleotide variant.
Coding change: c.6391C>G on transcript NM_001371986.1 (MANE Select); coding-DNA position 6391, C replaced by G.
Protein change: p.Arg2131Gly; replaces arginine 2131 with glycine.
Molecular consequence: missense variant.
Genome position (GRCh38, 1-based): chr2:209,937,556, C>G. VCF-style: chr2-209937556-C-G. GRCh37 (hg19) VCF-style: chr2-210802280-C-G.
Other names: c.6193C>G (NM_032504.1); c.6193C>G, p.Arg2065Gly (NM_032504.2); c.6178C>G, p.Arg2060Gly (NM_182587.4); short protein forms R2060G, R2065G, R2131G.
Identifiers: ClinVar variation 2094344 (VCV002094344.5), dbSNP rs1036988986, ClinGen allele CA350771463.